The following is an entry in ClinVar:

NM_001365951.3(KIF1B):c.3959G>A (p.Arg1320Gln)

Gene: KIF1B (kinesin family member 1B; plus strand). Cytogenetic location: 1p36.22.
Variant type: single nucleotide variant.
Coding change: c.3959G>A on transcript NM_001365951.3 (MANE Select); coding-DNA position 3959, G replaced by A.
Protein change: p.Arg1320Gln; replaces arginine 1320 with glutamine.
Molecular consequence: missense variant.
Genome position (GRCh38, 1-based): chr1:10,352,640, G>A. VCF-style: chr1-10352640-G-A. GRCh37 (hg19) VCF-style: chr1-10412698-G-A.
Other names: c.3959G>A, p.Arg1320Gln (NM_001365952.1); c.3821G>A, p.Arg1274Gln (NM_015074.3); short protein forms R1274Q, R1320Q.
Identifiers: ClinVar variation 1026628 (VCV001026628.13), dbSNP rs371798689, ClinGen allele CA581956.

ClinVar aggregate classification (germline): Uncertain significance. Review status: criteria provided, multiple submitters, no conflicts (2 of 4 stars). 3 submissions from 3 submitters: Uncertain significance (3). Last evaluated 2025-10-21.

Conditions:
KIF1B-related disorder. Also called: KIF1B-related condition.
Charcot-Marie-Tooth disease type 2. Also called: Charcot-Marie-Tooth type 2. Identifiers: Orphanet 64746, MedGen C0270914, MONDO:0018993.

Allele frequency attached by ClinVar (database versions not stated): gnomAD 0.00005 and 0.00004; TOPMed 0.00005; ExAC 0.00002; gnomAD exomes 0.00004 and 0.00002; ESP Exome Variant Server 0.00008; 1000 Genomes Project 30x 0.00016; 1000 Genomes Project 0.00020.
gnomAD v4.1: 67 of 1,612,948 alleles (0.0042%); highest among the groups gnomAD compares: African/African-American, 0.008%; no homozygotes.

Submissions (3):

Ambry Genetics
Classification: Uncertain significance. Last evaluated: 2025-10-21. Review status: criteria provided, single submitter. Criteria: Ambry Variant Classification Scheme 2023. Collection method: clinical testing. Allele origin: germline.
Comment: The p.R1274Q variant (also known as c.3821G>A), located in coding exon 35 of the KIF1B gene, results from a G to A substitution at nucleotide position 3821. The arginine at codon 1274 is replaced by glutamine, an amino acid with highly similar properties. This amino acid position is highly conserved in available vertebrate species. In addition, this alteration is predicted to be deleterious by in silico analysis. Since supporting evidence is limited at this time, the clinical significance of this alteration remains unclear.

Labcorp Genetics (formerly Invitae), Labcorp
Classification: Uncertain significance for Charcot-Marie-Tooth disease type 2. Last evaluated: 2025-06-10. Review status: criteria provided, single submitter. Criteria: Invitae Variant Classification Sherloc (09022015). Collection method: clinical testing. Allele origin: germline.
Comment: This sequence change replaces arginine, which is basic and polar, with glutamine, which is neutral and polar, at codon 1274 of the KIF1B protein (p.Arg1274Gln). This variant is present in population databases (rs371798689, gnomAD 0.01%). This variant has not been reported in the literature in individuals affected with KIF1B-related conditions. ClinVar contains an entry for this variant (Variation ID: 1026628). An algorithm developed to predict the effect of missense changes on protein structure and function (PolyPhen-2) suggests that this variant is likely to be disruptive. In summary, the available evidence is currently insufficient to determine the role of this variant in disease. Therefore, it has been classified as a Variant of Uncertain Significance.

PreventionGenetics, part of Exact Sciences
Classification: Uncertain significance for KIF1B-related condition. Last evaluated: 2023-04-03. Review status: criteria provided, single submitter. Criteria: ACMG Guidelines, 2015. Collection method: clinical testing. Allele origin: germline.
Comment: The KIF1B c.3821G>A variant is predicted to result in the amino acid substitution p.Arg1274Gln. To our knowledge, this variant has not been reported in the literature. This variant is reported in 0.012% of alleles in individuals of African descent in gnomAD. At this time, the clinical significance of this variant is uncertain due to the absence of conclusive functional and genetic evidence.